The following is an entry in ClinVar:

NM_000444.6(PHEX):c.2071-5_2071-4delinsAG

Genes: PHEX (phosphate regulating endopeptidase homolog X-linked; plus strand), PTCHD1-AS (PTCHD1 antisense RNA (head to head); minus strand). Cytogenetic location: Xp22.11.
Variant type: Indel.
Coding change: c.2071-5_2071-4delinsAG on transcript NM_000444.6 (MANE Select); 5 bases into the intron before coding-DNA position 2071 through 4 bases into the intron before coding-DNA position 2071, TC replaced by AG.
Molecular consequence: intron variant.
Genome position (GRCh38, 1-based): chrX:22,245,328-22,245,329, TC replaced by AG. VCF-style: chrX-22245328-TC-AG. GRCh37 (hg19) VCF-style: chrX-22263445-TC-AG.
Other names: c.2071-2523_2071-2522delinsAG (NM_001282754.2).
Identifiers: ClinVar variation 508220 (VCV000508220.1), dbSNP rs1556200949, ClinGen allele CA658799622.

ClinVar aggregate classification (germline): Likely benign (1 of 4 stars; one submission).

Submission:

GeneDx
Classification: Likely benign. Last evaluated: 2017-03-14. Review status: criteria provided, single submitter. Criteria: GeneDx Variant Classification (06012015). Collection method: clinical testing. Allele origin: germline. Affected: yes.
Comment: This variant is considered likely benign or benign based on one or more of the following criteria: it is a conservative change, it occurs at a poorly conserved position in the protein, it is predicted to be benign by multiple in silico algorithms, and/or has population frequency not consistent with disease.